The following is an entry in ClinVar:

NM_001184900.3(CARD8):c.913A>T (p.Ile305Phe)

Gene: CARD8 (caspase recruitment domain family member 8; minus strand). Cytogenetic location: 19q13.33.
Variant type: single nucleotide variant.
Coding change: c.913A>T on transcript NM_001184900.3 (MANE Select); coding-DNA position 913, A replaced by T.
Protein change: p.Ile305Phe; replaces isoleucine 305 with phenylalanine.
Molecular consequence: missense variant. On other transcripts: non-coding transcript variant (4).
Genome position (GRCh38, 1-based): chr19:48,230,560, T>A on the plus strand (A>T on the coding strand, the complement: CARD8 is on the minus strand). VCF-style: chr19-48230560-T-A. GRCh37 (hg19) VCF-style: chr19-48733817-T-A.
Other names: c.763A>T, p.Ile255Phe (NM_001184901.1, NM_001351783.2, NM_001351788.2 and 2 more transcripts); c.913A>T, p.Ile305Phe (NM_001184902.2, NM_001184903.1, NM_001351782.2); c.598A>T, p.Ile200Phe (NM_001351784.2, NM_001351787.2, NM_001351791.2 and 1 more transcripts); c.577A>T, p.Ile193Phe (NM_001351786.2); c.670A>T, p.Ile224Phe (NM_001351790.2); c.595A>T, p.Ile199Phe (NM_001365950.1); short protein forms I255F, I224F, I199F, I200F, I193F, I305F.
Identifiers: ClinVar variation 3637374 (VCV003637374.2).

ClinVar aggregate classification (germline): Uncertain significance (1 of 4 stars; one submission).

gnomAD v4.1: 8 of 1,614,032 alleles (0.0005%); highest among the groups gnomAD compares: Admixed American, 0.012%; no homozygotes.

Submission:

Labcorp Genetics (formerly Invitae), Labcorp
Classification: Uncertain significance. Last evaluated: 2025-06-02. Review status: criteria provided, single submitter. Criteria: Invitae Variant Classification Sherloc (09022015). Collection method: clinical testing. Allele origin: germline.
Comment: This sequence change replaces isoleucine, which is neutral and non-polar, with phenylalanine, which is neutral and non-polar, at codon 255 of the CARD8 protein (p.Ile255Phe). This variant is present in population databases (rs754907306, gnomAD 0.009%). This variant has not been reported in the literature in individuals affected with CARD8-related conditions. ClinVar contains an entry for this variant (Variation ID: 3637374). An algorithm developed to predict the effect of missense changes on protein structure and function (PolyPhen-2) suggests that this variant is likely to be tolerated. In summary, the available evidence is currently insufficient to determine the role of this variant in disease. Therefore, it has been classified as a Variant of Uncertain Significance.